The following is an entry in ClinVar:

ClinVar aggregate classification (germline): Uncertain significance. Review status: criteria provided, multiple submitters, no conflicts (2 of 4 stars). 2 submissions from 2 submitters: Uncertain significance (2). Last evaluated 2025-10-27.

Conditions:
Developmental and epileptic encephalopathy, 18 (DEE18). Also called: Early infantile epileptic encephalopathy 18. Identifiers: Orphanet 369894, MedGen C3809624, MONDO:0014201, OMIM 615476.

Allele frequency attached by ClinVar (database versions not stated): gnomAD exomes below 0.00001; gnomAD 0.00004 and 0.00003; TOPMed 0.00003.

Submissions (2):

Labcorp Genetics (formerly Invitae), Labcorp
Classification: Uncertain significance. Last evaluated: 2025-10-27. Review status: criteria provided, single submitter. Criteria: Invitae Variant Classification Sherloc (09022015). Collection method: clinical testing. Allele origin: germline.
Comment: This sequence change replaces arginine, which is basic and polar, with tryptophan, which is neutral and slightly polar, at codon 95 of the SZT2 protein (p.Arg95Trp). This variant is present in population databases (no rsID available, gnomAD 0.03%). This variant has not been reported in the literature in individuals affected with SZT2-related conditions. ClinVar contains an entry for this variant (Variation ID: 1041835). Invitae Evidence Modeling of protein sequence and biophysical properties (such as structural, functional, and spatial information, amino acid conservation, physicochemical variation, residue mobility, and thermodynamic stability) has been performed for this missense variant. However, the output from this modeling did not meet the statistical confidence thresholds required to predict the impact of this variant on SZT2 protein function. In summary, the available evidence is currently insufficient to determine the role of this variant in disease. Therefore, it has been classified as a Variant of Uncertain Significance.

Genomic Medicine Center of Excellence, King Faisal Specialist Hospital and Research Centre
Classification: Uncertain significance for Developmental and epileptic encephalopathy, 18. Last evaluated: 2024-04-04. Review status: criteria provided, single submitter. Criteria: ACMG Guidelines, 2015. Collection method: clinical testing. Allele origin: germline.

NM_001365999.1(SZT2):c.283C>T (p.Arg95Trp)

Gene: SZT2 (SZT2 subunit of KICSTOR complex; plus strand). Cytogenetic location: 1p34.2.
Variant type: single nucleotide variant.
Coding change: c.283C>T on transcript NM_001365999.1 (MANE Select); coding-DNA position 283, C replaced by T.
Protein change: p.Arg95Trp; replaces arginine 95 with tryptophan.
Molecular consequence: missense variant.
Genome position (GRCh38, 1-based): chr1:43,403,730, C>T. VCF-style: chr1-43403730-C-T. GRCh37 (hg19) VCF-style: chr1-43869401-C-T.
Other names: c.283C>T, p.Arg95Trp (NM_015284.4); short protein forms R95W.
Identifiers: ClinVar variation 1041835 (VCV001041835.9), dbSNP rs1213957554, ClinGen allele CA339996333.